The following is an entry in ClinVar:

ClinVar aggregate classification (germline): Uncertain significance (1 of 4 stars; one submission).

Conditions:
Congenital contractural arachnodactyly (CCA). Also called: BEALS SYNDROME; Beals-Hecht syndrome; Arthrogryposis, distal, type 9. Identifiers: Orphanet 115, MedGen C0220668, MONDO:0007363, OMIM 121050.

gnomAD v4.1: 3 of 1,613,978 alleles (0.00019%); highest among the groups gnomAD compares: Non-Finnish European, 0.00025%; no homozygotes.

Submission:

Labcorp Genetics (formerly Invitae), Labcorp
Classification: Uncertain significance for Congenital contractural arachnodactyly. Last evaluated: 2024-09-17. Review status: criteria provided, single submitter. Criteria: Invitae Variant Classification Sherloc (09022015). Collection method: clinical testing. Allele origin: germline.
Comment: This sequence change replaces histidine, which is basic and polar, with glutamine, which is neutral and polar, at codon 2303 of the FBN2 protein (p.His2303Gln). This variant is not present in population databases (gnomAD no frequency). This variant has not been reported in the literature in individuals affected with FBN2-related conditions. ClinVar contains an entry for this variant (Variation ID: 2067887). Invitae Evidence Modeling of protein sequence and biophysical properties (such as structural, functional, and spatial information, amino acid conservation, physicochemical variation, residue mobility, and thermodynamic stability) indicates that this missense variant is not expected to disrupt FBN2 protein function with a negative predictive value of 80%. In summary, the available evidence is currently insufficient to determine the role of this variant in disease. Therefore, it has been classified as a Variant of Uncertain Significance.

NM_001999.4(FBN2):c.6909C>A (p.His2303Gln)

Gene: FBN2 (fibrillin 2; minus strand). Cytogenetic location: 5q23.3.
Variant type: single nucleotide variant.
Coding change: c.6909C>A on transcript NM_001999.4 (MANE Select); coding-DNA position 6909, C replaced by A.
Protein change: p.His2303Gln; replaces histidine 2303 with glutamine.
Molecular consequence: missense variant.
Genome position (GRCh38, 1-based): chr5:128,286,821, G>T on the plus strand (C>A on the coding strand, the complement: FBN2 is on the minus strand). VCF-style: chr5-128286821-G-T. GRCh37 (hg19) VCF-style: chr5-127622513-G-T.
Other names: short protein forms H2303Q.
Identifiers: ClinVar variation 2067887 (VCV002067887.4), dbSNP rs762440824, ClinGen allele CA360759154.
Genomic context (GRCh38, chr5:128,286,821, plus strand): 5'-GCAGATGCACATGAAGGTGCCGATTAGATTCTTACACATCATGCCCCTAGATTCACAGTC[G>T]TGTAACCCTTCAGCACATTCATCCAGATCTAGAACAAAAAATAAAAATTAAAAATTATCT-3'
Protein context (NP_001990.2, residues 2293-2313): KDLDECAEGL[His2303Gln]DCESRGMMCK